The following is an entry in ClinVar:

ClinVar aggregate classification (germline): Uncertain significance (1 of 4 stars; one submission).

Conditions:
Gastrointestinal stromal tumor. Also called: Gastrointestinal stroma tumor; Gastrointestinal stromal tumor, somatic. Identifiers: Orphanet 44890, MedGen C0238198, MeSH D046152, MONDO:0011719, OMIM 606764, HP:0100723.

Submission:

Labcorp Genetics (formerly Invitae), Labcorp
Classification: Uncertain significance for Gastrointestinal stromal tumor. Last evaluated: 2025-10-11. Review status: criteria provided, single submitter. Criteria: Invitae Variant Classification Sherloc (09022015). Collection method: clinical testing. Allele origin: germline.
Comment: This sequence change replaces glutamic acid, which is acidic and polar, with lysine, which is basic and polar, at codon 885 of the KIT protein (p.Glu885Lys). This variant is not present in population databases (gnomAD no frequency). This variant has not been reported in the literature in individuals affected with KIT-related conditions. ClinVar contains an entry for this variant (Variation ID: 528582). An algorithm developed to predict the effect of missense changes on protein structure and function (PolyPhen-2) suggests that this variant is likely to be disruptive. In summary, the available evidence is currently insufficient to determine the role of this variant in disease. Therefore, it has been classified as a Variant of Uncertain Significance.

NM_000222.3(KIT):c.2653G>A (p.Glu885Lys)

Gene: KIT (KIT proto-oncogene, receptor tyrosine kinase; plus strand). Cytogenetic location: 4q12.
Variant type: single nucleotide variant.
Coding change: c.2653G>A on transcript NM_000222.3 (MANE Select); coding-DNA position 2653, G replaced by A.
Protein change: p.Glu885Lys; replaces glutamic acid 885 with lysine.
Molecular consequence: missense variant.
Genome position (GRCh38, 1-based): chr4:54,736,777, G>A. VCF-style: chr4-54736777-G-A. GRCh37 (hg19) VCF-style: chr4-55602943-G-A.
Other names: c.2641G>A, p.Glu881Lys (NM_001093772.2, NM_001385292.1); c.2656G>A, p.Glu886Lys (NM_001385284.1); c.2650G>A, p.Glu884Lys (NM_001385285.1); c.2638G>A, p.Glu880Lys (NM_001385286.1); c.2644G>A, p.Glu882Lys (NM_001385288.1); c.2653G>A, p.Glu885Lys (NM_001385290.1); short protein forms E885K, E881K, E880K, E882K, E884K, E886K.
Identifiers: ClinVar variation 528582 (VCV000528582.9), dbSNP rs1553893498, ClinGen allele CA356913915.